The following is an entry in ClinVar:

ClinVar aggregate classification (germline): Uncertain significance. Review status: criteria provided, multiple submitters, no conflicts (2 of 4 stars). 2 submissions from 2 submitters: Uncertain significance (2). Last evaluated 2025-10-24.

Allele frequency attached by ClinVar (database versions not stated): gnomAD 0.00004; TOPMed 0.00004; 1000 Genomes Project 30x 0.00016; 1000 Genomes Project 0.00020.
gnomAD v4.1: 41 of 1,410,310 alleles (0.0029%); highest among the groups gnomAD compares: Non-Finnish European, 0.0039%; no homozygotes.

Submissions (2):

Labcorp Genetics (formerly Invitae), Labcorp
Classification: Uncertain significance. Last evaluated: 2025-10-24. Review status: criteria provided, single submitter. Criteria: Invitae Variant Classification Sherloc (09022015). Collection method: clinical testing. Allele origin: germline.
Comment: This sequence change replaces threonine, which is neutral and polar, with methionine, which is neutral and non-polar, at codon 893 of the AP3D1 protein (p.Thr893Met). This variant is not present in population databases (gnomAD no frequency). This variant has not been reported in the literature in individuals affected with AP3D1-related conditions. ClinVar contains an entry for this variant (Variation ID: 2154749). An algorithm developed to predict the effect of missense changes on protein structure and function outputs the following: PolyPhen-2: "Benign". The methionine amino acid residue is found in multiple mammalian species, which suggests that this missense change does not adversely affect protein function. In summary, the available evidence is currently insufficient to determine the role of this variant in disease. Therefore, it has been classified as a Variant of Uncertain Significance.

Mayo Clinic Laboratories, Mayo Clinic
Classification: Uncertain significance. Last evaluated: 2025-10-24. Review status: criteria provided, single submitter. Criteria: ACMG Guidelines, 2015. Collection method: clinical testing. Allele origin: germline. Observed: 1 variant allele.
Comment: BP4_moderate

NM_001261826.3(AP3D1):c.2678C>T (p.Thr893Met)

Gene: AP3D1 (adaptor related protein complex 3 subunit delta 1; minus strand). Cytogenetic location: 19p13.3.
Variant type: single nucleotide variant.
Coding change: c.2678C>T on transcript NM_001261826.3 (MANE Select); coding-DNA position 2678, C replaced by T.
Protein change: p.Thr893Met; replaces threonine 893 with methionine.
Molecular consequence: missense variant. On other transcripts: intron variant (1).
Genome position (GRCh38, 1-based): chr19:2,113,337, G>A on the plus strand (C>T on the coding strand, the complement: AP3D1 is on the minus strand). VCF-style: chr19-2113337-G-A. GRCh37 (hg19) VCF-style: chr19-2113336-G-A.
Other names: p.Thr893Met; c.2678C>T, p.Thr893Met (NM_001374799.1); c.2601+788C>T (NM_003938.8); short protein forms T893M.
Identifiers: ClinVar variation 2154749 (VCV002154749.5), dbSNP rs568784323, ClinGen allele CA304152438.